The following is an entry in ClinVar:

NC_000015.10:g.(?_90794157)_(90798347_?)del

Gene: BLM (BLM RecQ like helicase; plus strand). Cytogenetic location: 15q26.1.
Variant type: Deletion.
Identifiers: ClinVar variation 583727 (VCV000583727.9).

ClinVar aggregate classification (germline): Likely pathogenic (1 of 4 stars; one submission).

Conditions:
Bloom syndrome (BLM). Also called: Bloom-Torre-Machacek syndrome. Identifiers: Orphanet 125, MedGen C0005859, MONDO:0008876, OMIM 210900.

Submission:

Labcorp Genetics (formerly Invitae), Labcorp
Classification: Likely pathogenic for Bloom syndrome. Last evaluated: 2022-09-23. Review status: criteria provided, single submitter. Criteria: Invitae Variant Classification Sherloc (09022015). Collection method: clinical testing. Allele origin: germline.
Comment: In summary, the currently available evidence indicates that the variant is pathogenic, but additional data are needed to prove that conclusively. Therefore, this variant has been classified as Likely Pathogenic. This variant disrupts the p.Cys1055 amino acid residue in BLM. Other variant(s) that disrupt this residue have been determined to be pathogenic (PMID: 7585968, 9840919, 10069810, 11399766, 17407155, 28877996). This suggests that this residue is clinically significant, and that variants that disrupt this residue are likely to be disease-causing. This variant has not been reported in the literature in individuals affected with BLM-related conditions. This variant is a gross deletion of the genomic region encompassing exon(s) 16-17 of the BLM gene. This variant would be expected to be in-frame, preserving the integrity of the reading frame.

Literature cited by the submitters: PubMed 7585968; PubMed 9840919; PubMed 10069810; PubMed 11399766; PubMed 17407155; PubMed 28877996.